The following is an entry in ClinVar:

ClinVar aggregate classification (germline): Conflicting classifications of pathogenicity. Review status: criteria provided, conflicting classifications (1 of 4 stars). 2 submissions from 2 submitters: Uncertain significance (1); Likely benign (1). Last evaluated 2025-05-02.

Conditions:
Hereditary cancer-predisposing syndrome. Also called: Hereditary neoplastic syndrome; Neoplastic Syndromes, Hereditary; Tumor predisposition; Hereditary Cancer Syndrome. Identifiers: Orphanet 140162, MedGen C0027672, MeSH D009386, MONDO:0015356.
Hereditary breast ovarian cancer syndrome. Also called: Hereditary breast and/or ovarian cancer syndrome; Hereditary breast and ovarian cancer syndrome; Hereditary breast and ovarian cancer syndrome (HBOC); Breast and ovarian cancer; BRCA1- and BRCA2-Associated Hereditary Breast and Ovarian Cancer; Hereditary breast and ovarian cancer. Identifiers: Orphanet 145, MedGen C0677776, MeSH D061325, MONDO:0003582. Disease mechanism: loss of function.

Submissions (2):

Labcorp Genetics (formerly Invitae), Labcorp
Classification: Uncertain significance for Hereditary breast ovarian cancer syndrome. Last evaluated: 2025-05-02. Review status: criteria provided, single submitter. Criteria: Invitae Variant Classification Sherloc (09022015). Collection method: clinical testing. Allele origin: germline.
Comment: This sequence change replaces histidine, which is basic and polar, with proline, which is neutral and non-polar, at codon 1006 of the BRCA1 protein (p.His1006Pro). This variant is not present in population databases (gnomAD no frequency). This variant has not been reported in the literature in individuals affected with BRCA1-related conditions. ClinVar contains an entry for this variant (Variation ID: 1003072). Invitae Evidence Modeling of protein sequence and biophysical properties (such as structural, functional, and spatial information, amino acid conservation, physicochemical variation, residue mobility, and thermodynamic stability) indicates that this missense variant is not expected to disrupt BRCA1 protein function with a negative predictive value of 80%. In summary, the available evidence is currently insufficient to determine the role of this variant in disease. Therefore, it has been classified as a Variant of Uncertain Significance.

University of Washington Department of Laboratory Medicine, University of Washington
Classification: Likely benign for Hereditary cancer-predisposing syndrome. Last evaluated: 2023-03-23. Review status: criteria provided, single submitter. Criteria: Dines et al. (Genet Med. 2020). Collection method: curation. Allele origin: germline.
Comment: Missense variant in a coldspot region where missense variants are very unlikely to be pathogenic (PMID:31911673).

BRCA1 coldspot (exon 11 using historical exon numbering). Reclassification based on statistical prior probability

NM_007294.4(BRCA1):c.3017A>C (p.His1006Pro)

Gene: BRCA1 (BRCA1 DNA repair associated; minus strand). Cytogenetic location: 17q21.31.
Variant type: single nucleotide variant.
Coding change: c.3017A>C on transcript NM_007294.4 (MANE Select); coding-DNA position 3017, A replaced by C.
Protein change: p.His1006Pro; replaces histidine 1006 with proline.
Molecular consequence: missense variant. On other transcripts: intron variant (137).
Genome position (GRCh38, 1-based): chr17:43,092,514, T>G on the plus strand (A>C on the coding strand, the complement: BRCA1 is on the minus strand). VCF-style: chr17-43092514-T-G. GRCh37 (hg19) VCF-style: chr17-41244531-T-G.
Other names: c.2876A>C, p.His959Pro (NM_001407738.1, NM_001407739.1, NM_001407750.1 and 29 more transcripts); c.2873A>C, p.His958Pro (NM_001407740.1, NM_001407741.1, NM_001407742.1 and 20 more transcripts); c.2804A>C, p.His935Pro (NM_001407853.1, NM_001407571.1, NM_001407894.1 and 9 more transcripts); c.3017A>C, p.His1006Pro (NM_001407854.1, NM_001407858.1, NM_001407859.1 and 30 more transcripts); c.2816A>C, p.His939Pro (NM_001407862.1); c.2894A>C, p.His965Pro (NM_001407863.1, NM_001407648.1, NM_001407664.1 and 19 more transcripts); c.2813A>C, p.His938Pro (NM_001407874.1, NM_001407875.1); c.2807A>C, p.His936Pro (NM_001407879.1, NM_001407881.1, NM_001407882.1 and 13 more transcripts); and 41 more; short protein forms H1006P, H959P, H838P, H917P, H938P, H1003P, H1005P, H878P.
Identifiers: ClinVar variation 1003072 (VCV001003072.12), dbSNP rs2053655843, ClinGen allele CA10595959.